The following is an entry in ClinVar:

NM_004366.6(CLCN2):c.2351A>C (p.Asn784Thr)

Gene: CLCN2 (chloride voltage-gated channel 2; minus strand). Cytogenetic location: 3q27.1.
Variant type: single nucleotide variant.
Coding change: c.2351A>C on transcript NM_004366.6 (MANE Select); coding-DNA position 2351, A replaced by C.
Protein change: p.Asn784Thr; replaces asparagine 784 with threonine.
Molecular consequence: missense variant.
Genome position (GRCh38, 1-based): chr3:184,352,077, T>G on the plus strand (A>C on the coding strand, the complement: CLCN2 is on the minus strand). VCF-style: chr3-184352077-T-G. GRCh37 (hg19) VCF-style: chr3-184069865-T-G.
Other names: c.2300A>C, p.Asn767Thr (NM_001171087.3); c.2219A>C, p.Asn740Thr (NM_001171088.3); c.2351A>C, p.Asn784Thr (NM_001171089.3); short protein forms N740T, N767T, N784T.
Identifiers: ClinVar variation 2989338 (VCV002989338.3), dbSNP rs776725593, ClinGen allele CA2733720.

ClinVar aggregate classification (germline): Uncertain significance (1 of 4 stars; one submission).

Allele frequency attached by ClinVar (database versions not stated): TOPMed 0.00001.

Submission:

Labcorp Genetics (formerly Invitae), Labcorp
Classification: Uncertain significance. Last evaluated: 2025-02-17. Review status: criteria provided, single submitter. Criteria: Invitae Variant Classification Sherloc (09022015). Collection method: clinical testing. Allele origin: germline.
Comment: This sequence change replaces asparagine, which is neutral and polar, with threonine, which is neutral and polar, at codon 784 of the CLCN2 protein (p.Asn784Thr). This variant is present in population databases (rs776725593, gnomAD 0.004%). This variant has not been reported in the literature in individuals affected with CLCN2-related conditions. ClinVar contains an entry for this variant (Variation ID: 2989338). Invitae Evidence Modeling of protein sequence and biophysical properties (such as structural, functional, and spatial information, amino acid conservation, physicochemical variation, residue mobility, and thermodynamic stability) indicates that this missense variant is not expected to disrupt CLCN2 protein function with a negative predictive value of 80%. In summary, the available evidence is currently insufficient to determine the role of this variant in disease. Therefore, it has been classified as a Variant of Uncertain Significance.